The following is an entry in ClinVar:

NM_000152.5(GAA):c.2229G>C (p.Gln743His)

Gene: GAA (alpha glucosidase; plus strand). Cytogenetic location: 17q25.3.
Variant type: single nucleotide variant.
Coding change: c.2229G>C on transcript NM_000152.5 (MANE Select); coding-DNA position 2229, G replaced by C.
Protein change: p.Gln743His; replaces glutamine 743 with histidine.
Molecular consequence: missense variant.
Genome position (GRCh38, 1-based): chr17:80,117,007, G>C. VCF-style: chr17-80117007-G-C. GRCh37 (hg19) VCF-style: chr17-78090806-G-C.
Other names: c.2229G>C, p.Gln743His (NM_001079803.3, NM_001079804.3, NM_001406741.1 and 1 more transcripts); short protein forms Q743H.
Identifiers: ClinVar variation 3634759 (VCV003634759.2).
Genomic context (GRCh38, chr17:80,117,007, plus strand): 5'-GTGTGCCCATCCCCCTTGCAGGTTCCCCAAGGACTCTAGCACCTGGACTGTGGACCACCA[G>C]CTCCTGTGGGGGGAGGCCCTGCTCATCACCCCAGTGCTCCAGGCCGGGAAGGCCGAAGTG-3'
Protein context (NP_000143.2, residues 733-753): KDSSTWTVDH[Gln743His]LLWGEALLIT

ClinVar aggregate classification (germline): Likely pathogenic (1 of 4 stars; one submission).

Conditions:
Glycogen storage disease, type II (IOPD). Also called: CARDIOMEGALIA GLYCOGENICA DIFFUSA; Glycogen storage disease type 2; Acid maltase deficiency disease; Aglucosidase alfa; Deficiency of alpha-glucosidase; Deficiency of lysosomal alpha-glucosidase. Identifiers: Orphanet 365, MedGen C0017921, MONDO:0009290, OMIM 232300.

Submission:

Labcorp Genetics (formerly Invitae), Labcorp
Classification: Likely pathogenic for Glycogen storage disease, type II. Last evaluated: 2024-08-29. Review status: criteria provided, single submitter. Criteria: Invitae Variant Classification Sherloc (09022015). Collection method: clinical testing. Allele origin: germline.
Comment: This sequence change replaces glutamine, which is neutral and polar, with histidine, which is basic and polar, at codon 743 of the GAA protein (p.Gln743His). This variant is not present in population databases (gnomAD no frequency). This variant has not been reported in the literature in individuals affected with GAA-related conditions. Invitae Evidence Modeling of protein sequence and biophysical properties (such as structural, functional, and spatial information, amino acid conservation, physicochemical variation, residue mobility, and thermodynamic stability) indicates that this missense variant is expected to disrupt GAA protein function with a positive predictive value of 95%. This variant disrupts the p.Gln743Arg amino acid residue in GAA. Other variant(s) that disrupt this residue have been determined to be pathogenic (PMID: 18434155, 22644586, 24011652). This suggests that this residue is clinically significant, and that variants that disrupt this residue are likely to be disease-causing. In summary, the currently available evidence indicates that the variant is pathogenic, but additional data are needed to prove that conclusively. Therefore, this variant has been classified as Likely Pathogenic.

Literature cited by the submitters: PubMed 18434155; PubMed 22644586; PubMed 24011652.